The following is an entry in ClinVar:

ClinVar aggregate classification (germline): Uncertain significance (1 of 4 stars; one submission).

gnomAD v4.1: 3 of 1,614,000 alleles (0.00019%); highest among the groups gnomAD compares: Non-Finnish European, 0.00025%; no homozygotes.

Submission:

Ambry Genetics
Classification: Uncertain significance. Last evaluated: 2024-09-08. Review status: criteria provided, single submitter. Criteria: Ambry Variant Classification Scheme 2023. Collection method: clinical testing. Allele origin: germline.
Comment: The p.T1158I variant (also known as c.3473C>T), located in coding exon 21 of the PKP4 gene, results from a C to T substitution at nucleotide position 3473. The threonine at codon 1158 is replaced by isoleucine, an amino acid with similar properties. This amino acid position is conserved. In addition, this alteration is predicted to be tolerated by in silico analysis. Based on the available evidence, the clinical significance of this variant remains unclear.

NM_003628.6(PKP4):c.3473C>T (p.Thr1158Ile)

Genes: PKP4 (plakophilin 4; plus strand), PKP4-AS1 (PKP4 antisense RNA 1; minus strand). Cytogenetic location: 2q24.1.
Variant type: single nucleotide variant.
Coding change: c.3473C>T on transcript NM_003628.6 (MANE Select); coding-DNA position 3473, C replaced by T.
Protein change: p.Thr1158Ile; replaces threonine 1158 with isoleucine.
Molecular consequence: missense variant.
Genome position (GRCh38, 1-based): chr2:158,680,571, C>T. VCF-style: chr2-158680571-C-T. GRCh37 (hg19) VCF-style: chr2-159537083-C-T.
Other names: c.3344C>T, p.Thr1115Ile (NM_001005476.4, NM_001377225.1); c.3470C>T, p.Thr1157Ile (NM_001304969.3, NM_001377219.1, NM_001377220.1 and 1 more transcripts); c.2444C>T, p.Thr815Ile (NM_001304970.3); c.3473C>T, p.Thr1158Ile (NM_001377218.1); c.3467C>T, p.Thr1156Ile (NM_001377222.1, NM_001377223.1); c.3464C>T, p.Thr1155Ile (NM_001377224.1); c.3341C>T, p.Thr1114Ile (NM_001377226.1); short protein forms T1115I, T1156I, T1158I, T815I, T1114I, T1155I, T1157I.
Identifiers: ClinVar variation 3419574 (VCV003419574.1).
Genomic context (GRCh38, chr2:158,680,571, plus strand): 5'-GCTATGAAGATCCTTATTTTGATGACCGAGTTCACTTTCCAGCTTCTACTGATTACTCAA[C>T]ACAGTATGGACTGAAATCGACCACAAATTATGTAGACTTTTATTCCACTAAACGACCTTC-3'
Protein context (NP_003619.2, residues 1148-1168): VHFPASTDYS[Thr1158Ile]QYGLKSTTNY